The following is an entry in ClinVar:

NM_000548.5(TSC2):c.1005C>G (p.Ser335=)

Gene: TSC2 (TSC complex subunit 2; plus strand). Cytogenetic location: 16p13.3.
Variant type: single nucleotide variant.
Coding change: c.1005C>G on transcript NM_000548.5 (MANE Select); coding-DNA position 1005, C replaced by G.
Protein change: p.Ser335=; no amino-acid change (serine 335 retained).
Molecular consequence: synonymous variant.
Genome position (GRCh38, 1-based): chr16:2,060,699, C>G. VCF-style: chr16-2060699-C-G. GRCh37 (hg19) VCF-style: chr16-2110700-C-G.
Other names: c.1005C>G, p.Ser335= (NM_001077183.3, NM_001114382.3, NM_001363528.2 and 3 more transcripts); c.894C>G, p.Ser298= (NM_001318827.2); c.858C>G, p.Ser286= (NM_001318829.2); c.405C>G, p.Ser135= (NM_001318831.2); c.1038C>G, p.Ser346= (NM_001318832.2).
Identifiers: ClinVar variation 64903 (VCV000064903.3), dbSNP rs397514924, ClinGen allele CA013545.
Genomic context (GRCh38, chr16:2,060,699, plus strand): 5'-ACCCTGTGTGCTGGCCGGGCTCGTGTTCCAGGCCATGGCATGTCCGAACGAGGTGGTGTC[C>G]TATGAGATCGTCCTGTCCATCACCAGGCTCATCAAGAAGTATAGGAAGGAGCTCCAGGTG-3'
Protein context (NP_000539.2, residues 325-345): QAMACPNEVV[Ser335=]YEIVLSITRL

ClinVar aggregate classification (germline): Benign. Review status: criteria provided, single submitter (1 of 4 stars). 2 submissions from 2 submitters: Benign (1). 1 of the submissions does not count toward it. Last evaluated 2025-05-13.

Conditions:
Tuberous sclerosis syndrome (TSC). Also called: Tuberous Sclerosis Complex; Tuberous sclerosis. Identifiers: Orphanet 805, MedGen C0041341, MONDO:0001734.
Tuberous sclerosis 2 (TSC2). Identifiers: Orphanet 805, MedGen C1860707, MONDO:0013199, OMIM 613254.

Submissions (2):

Myriad Genetics, Inc.
Classification: Benign for Tuberous sclerosis 2. Last evaluated: 2025-05-13. Review status: criteria provided, single submitter. Criteria: Myriad Autosomal Dominant, Autosomal Recessive and X-Linked Classification Criteria (2023). Collection method: clinical testing. Allele origin: unknown.
Comment: This variant is considered benign. This variant is a silent/synonymous amino acid change and it is not expected to impact splicing.

Tuberous sclerosis database (TSC2)
No classification provided. Condition: TSC. Review status: no classification provided. Criteria: Tuberous Sclerosis Database Assertion Criteria 2015. Collection method: curation. Allele origin: germline. Affected: yes. Not counted in ClinVar's aggregate classification.